The following is an entry in ClinVar:

NM_015631.6(TCTN3):c.1590+4A>T

Gene: TCTN3 (tectonic family member 3; minus strand). Cytogenetic location: 10q24.1.
Variant type: single nucleotide variant.
Coding change: c.1590+4A>T on transcript NM_015631.6 (MANE Select); 4 bases into the intron after coding-DNA position 1590, A replaced by T.
Molecular consequence: intron variant.
Genome position (GRCh38, 1-based): chr10:95,680,468, T>A on the plus strand (A>T on the coding strand, the complement: TCTN3 is on the minus strand). VCF-style: chr10-95680468-T-A. GRCh37 (hg19) VCF-style: chr10-97440225-T-A.
Other names: c.1146+4A>T (NM_001143973.2).
Identifiers: ClinVar variation 1440057 (VCV001440057.3), dbSNP rs756071891, ClinGen allele CA5620786.

ClinVar aggregate classification (germline): Uncertain significance (1 of 4 stars; one submission).

Conditions:
Joubert syndrome 18 (JBTS18). Identifiers: Orphanet 2754, MedGen C3553758, MONDO:0013896, OMIM 614815.
Orofacial-digital syndrome IV (OFD4). Also called: Orofaciodigital syndrome IV; BARAITSER-BURN SYNDROME; MOHR-MAJEWSKI SYNDROME; OFD SYNDROME WITH TIBIAL DEFECTS; OFD SYNDROME, BARAITSER-BURN TYPE; OFDS IV. Identifiers: Orphanet 2753, MedGen C0406727, MONDO:0009794, OMIM 258860.

Allele frequency attached by ClinVar (database versions not stated): gnomAD exomes below 0.00001 and 0.00001; ExAC 0.00002; gnomAD 0.00003 and 0.00004; TOPMed 0.00003.
gnomAD v4.1: 12 of 1,611,186 alleles (0.00074%); highest among the groups gnomAD compares: Middle Eastern, 0.016%; no homozygotes.

Submission:

Labcorp Genetics (formerly Invitae), Labcorp
Classification: Uncertain significance for Joubert syndrome 18; Orofacial-digital syndrome IV. Last evaluated: 2021-02-17. Review status: criteria provided, single submitter. Criteria: Invitae Variant Classification Sherloc (09022015). Collection method: clinical testing. Allele origin: germline.
Comment: This sequence change falls in intron 13 of the TCTN3 gene. It does not directly change the encoded amino acid sequence of the TCTN3 protein. It affects a nucleotide within the consensus splice site of the intron. This variant is present in population databases (rs756071891, ExAC 0.02%). This variant has not been reported in the literature in individuals with TCTN3-related conditions. Nucleotide substitutions within the consensus splice site are a relatively common cause of aberrant splicing (PMID: 17576681, 9536098). Algorithms developed to predict the effect of sequence changes on RNA splicing suggest that this variant is not likely to affect RNA splicing, but this prediction has not been confirmed by published transcriptional studies. In summary, the available evidence is currently insufficient to determine the role of this variant in disease. Therefore, it has been classified as a Variant of Uncertain Significance.

Literature cited by the submitters: PubMed 17576681; PubMed 9536098.